The following is an entry in ClinVar:

ClinVar aggregate classification (germline): Pathogenic (1 of 4 stars; one submission).

Conditions:
Dextro-looped transposition of the great arteries. Also called: Dextrotransposition of the great arteries. Identifiers: Orphanet 860, MedGen C3531771, MONDO:0019443, OMIM 608808, HP:0031348.

Submission:

Labcorp Genetics (formerly Invitae), Labcorp
Classification: Pathogenic for Transposition of the great arteries, dextro-looped 1. Last evaluated: 2019-09-25. Review status: criteria provided, single submitter. Criteria: Invitae Variant Classification Sherloc (09022015). Collection method: clinical testing. Allele origin: germline.
Comment: This sequence change creates a premature translational stop signal (p.Leu1430*) in the MED13L gene. It is expected to result in an absent or disrupted protein product. This variant is not present in population databases (ExAC no frequency). This variant has not been reported in the literature in individuals with MED13L-related conditions. Loss-of-function variants in MED13L are known to be pathogenic (PMID: 23403903). For these reasons, this variant has been classified as Pathogenic.

NM_015335.5(MED13L):c.4289_4290delinsAA (p.Leu1430Ter)

Gene: MED13L (mediator complex subunit 13L; minus strand). Cytogenetic location: 12q24.21.
Variant type: Indel.
Coding change: c.4289_4290delinsAA on transcript NM_015335.5 (MANE Select); coding-DNA positions 4289 to 4290, TG replaced by AA.
Protein change: p.Leu1430Ter; replaces leucine 1430 with a stop codon.
Molecular consequence: nonsense.
Genome position (GRCh38, 1-based): chr12:115,986,314-115,986,315, CA replaced by TT on the plus strand (TG replaced by AA on the coding strand, the reverse complement: MED13L is on the minus strand). VCF-style: chr12-115986314-CA-TT. GRCh37 (hg19) VCF-style: chr12-116424119-CA-TT.
Other names: short protein forms L1430*.
Identifiers: ClinVar variation 967001 (VCV000967001.1), dbSNP rs1877685759, ClinGen allele CA1139662920.
Genomic context (GRCh38, chr12:115,986,314, plus strand): 5'-TAACTTCCTCACCTCGTATACAGCACTCAAGTCCCTGAAGAAAGTTTTGGCTCCTTCGAG[CA>TT]AGGCCTCATTTTCTGGACACACCACAATATAGGCAACATCACGGTGGCCCCCATATGGGT-3'